The following is an entry in ClinVar:

NM_003361.4(UMOD):c.1676A>G (p.Tyr559Cys)

Gene: UMOD (uromodulin; minus strand). Cytogenetic location: 16p12.3.
Variant type: single nucleotide variant.
Coding change: c.1676A>G on transcript NM_003361.4 (MANE Select); coding-DNA position 1676, A replaced by G.
Protein change: p.Tyr559Cys; replaces tyrosine 559 with cysteine.
Molecular consequence: missense variant. On other transcripts: non-coding transcript variant (1).
Genome position (GRCh38, 1-based): chr16:20,337,355, T>C on the plus strand (A>G on the coding strand, the complement: UMOD is on the minus strand). VCF-style: chr16-20337355-T-C. GRCh37 (hg19) VCF-style: chr16-20348677-T-C.
Other names: c.1676A>G, p.Tyr559Cys (NM_001008389.3, NM_001378232.1, NM_001378233.1); c.1775A>G, p.Tyr592Cys (NM_001278614.2); c.1817A>G, p.Tyr606Cys (NM_001378234.1, NM_001378235.1); short protein forms Y559C, Y592C, Y606C.
Identifiers: ClinVar variation 4530028 (VCV004530028.1).
Genomic context (GRCh38, chr16:20,337,355, plus strand): 5'-TTGCACTTTTCATTCATGGTGTCACAGAGATAGACTTCACAGTGCAGGTAGACTAGGTCA[T>C]AGTTTCCAGCAAACCGGAACATCTGGACGGAAAATCGGCCCTGGGAGGACTCCCCATTCT-3'
Protein context (NP_003352.2, residues 549-569): SVQMFRFAGN[Tyr559Cys]DLVYLHCEVY

ClinVar aggregate classification (germline): Likely pathogenic (1 of 4 stars; one submission).

Conditions:
Familial juvenile hyperuricemic nephropathy type 1 (ADTKD1). Also called: Autosomal Dominant Tubulointerstitial Kidney Disease – UMOD; Glomerulocystic kidney disease with hyperuricemia and isosthenuria; Medullary cystic kidney disease 2; UMOD-Associated Kidney Disease; Uromodulin-associated kidney disease. Identifiers: Orphanet 209886, Orphanet 34149, Orphanet 88950, MedGen C4551496, MONDO:0008073, OMIM 162000.

Submission:

Nephrology, Zhejiang Provincial People's Hospital
Classification: Likely pathogenic for Familial juvenile hyperuricemic nephropathy type 1. Last evaluated: 2025-10-01. Review status: criteria provided, single submitter. Criteria: ACMG Guidelines, 2015. Collection method: clinical testing. Allele origin: germline. Inheritance: Autosomal dominant inheritance. Affected: yes.
Comment: The c.1676A>G (p.Tyr559Cys) variant is classified as Likely Pathogenic. This assertion is based on its absence from population databases (gnomAD) (PM2), supporting that it is not a common benign variant. The variant co-segregated with autosomal dominant tubulointerstitial kidney disease in the family pedigree (PP1). Computational/predictive data support a deleterious effect, as the tyrosine residue at position 559 is highly conserved across species (PP3). Finally, the proband's phenotype—including progressive renal insufficiency, hyperuricemia, gout, and significant proteinuria—is highly specific for ADTKD-UMOD (PP4).